The following is an entry in ClinVar:

NM_014994.3(MAPKBP1):c.3649C>T (p.Arg1217Trp)

Gene: MAPKBP1 (mitogen-activated protein kinase binding protein 1; plus strand). Cytogenetic location: 15q15.1.
Variant type: single nucleotide variant.
Coding change: c.3649C>T on transcript NM_014994.3 (MANE Select); coding-DNA position 3649, C replaced by T.
Protein change: p.Arg1217Trp; replaces arginine 1217 with tryptophan.
Molecular consequence: missense variant. On other transcripts: non-coding transcript variant (2), intron variant (1).
Genome position (GRCh38, 1-based): chr15:41,823,497, C>T. VCF-style: chr15-41823497-C-T. GRCh37 (hg19) VCF-style: chr15-42115695-C-T.
Other names: c.3667C>T (NM_001128608.1); c.3667C>T, p.Arg1223Trp (NM_001128608.2); c.3382+491C>T (NM_001265611.2); short protein forms R1223W, R1217W.
Identifiers: ClinVar variation 2153361 (VCV002153361.6), dbSNP rs140507811, ClinGen allele CA7498636.

ClinVar aggregate classification (germline): Benign/Likely benign. Review status: criteria provided, multiple submitters, no conflicts (2 of 4 stars). 3 submissions from 3 submitters: Benign (1); Likely benign (1). 1 of the submissions does not count toward it. Last evaluated 2025-03-16.

Conditions:
MAPKBP1-related disorder. Also called: MAPKBP1-related condition.
Inborn genetic diseases. Identifiers: MedGen C0950123, MeSH D030342.

Allele frequency attached by ClinVar (database versions not stated): TOPMed 0.00072; gnomAD 0.00079; ExAC 0.00088; ESP Exome Variant Server 0.00092; 1000 Genomes Project 30x 0.00172; 1000 Genomes Project 0.00180.
gnomAD v4.1: 566 of 1,614,048 alleles (0.035%); highest among the groups gnomAD compares: South Asian, 0.36%; 6 homozygotes.

Submissions (3):

Labcorp Genetics (formerly Invitae), Labcorp
Classification: Benign. Last evaluated: 2025-03-16. Review status: criteria provided, single submitter. Criteria: Invitae Variant Classification Sherloc (09022015). Collection method: clinical testing. Allele origin: germline.

Ambry Genetics
Classification: Likely benign for Inborn genetic diseases. Last evaluated: 2024-09-11. Review status: criteria provided, single submitter. Criteria: Ambry Variant Classification Scheme 2023. Collection method: clinical testing. Allele origin: germline.

PreventionGenetics, part of Exact Sciences
Classification: Likely benign for MAPKBP1-related condition. Last evaluated: 2024-03-06. Review status: no assertion criteria provided. Collection method: clinical testing. Allele origin: germline. Not counted in ClinVar's aggregate classification.
Comment: This variant is classified as likely benign based on ACMG/AMP sequence variant interpretation guidelines (Richards et al. 2015 PMID: 25741868, with internal and published modifications).